The following is an entry in ClinVar:

ClinVar aggregate classification (germline): Uncertain significance (1 of 4 stars; one submission).

Conditions:
Intellectual disability, autosomal dominant 24 (VSVS). Also called: VULTO-VAN SILFHOUT-DE VRIES SYNDROME. Identifiers: MedGen C4014414, MONDO:0014357, OMIM 615828.

Submission:

Department of Human Genetics, Hannover Medical School
Classification: Uncertain significance for Intellectual disability, autosomal dominant 24. Last evaluated: 2025-03-26. Review status: criteria provided, single submitter. Criteria: ACMG Guidelines, 2015. Collection method: clinical testing. Allele origin: de novo. Affected: yes.
Comment: ACMG: PM2_Supporting, PS2_Supporting

NM_021008.4(DEAF1):c.1594-1860C>G

Gene: DEAF1 (DEAF1 transcription factor; minus strand). Cytogenetic location: 11p15.5.
Variant type: single nucleotide variant.
Coding change: c.1594-1860C>G on transcript NM_021008.4 (MANE Select); 1860 bases into the intron before coding-DNA position 1594, C replaced by G.
Molecular consequence: intron variant.
Genome position (GRCh38, 1-based): chr11:646,514, G>C on the plus strand (C>G on the coding strand, the complement: DEAF1 is on the minus strand). VCF-style: chr11-646514-G-C. GRCh37 (hg19) VCF-style: chr11-646514-G-C.
Other names: c.868-1860C>G (NM_001367390.1, NM_001440885.1, NM_001440887.1 and 1 more transcripts); c.1369-1860C>G (NM_001293634.2); c.1465-1860C>G (NM_001440884.1); c.1504-1860C>G (NM_001440883.1).
Identifiers: ClinVar variation 3773879 (VCV003773879.1).